The following is an entry in ClinVar:

NM_000548.5(TSC2):c.2667C>G (p.Ala889=)

Gene: TSC2 (TSC complex subunit 2; plus strand). Cytogenetic location: 16p13.3.
Variant type: single nucleotide variant.
Coding change: c.2667C>G on transcript NM_000548.5 (MANE Select); coding-DNA position 2667, C replaced by G.
Protein change: p.Ala889=; no amino-acid change (alanine 889 retained).
Molecular consequence: synonymous variant. On other transcripts: non-coding transcript variant (5).
Genome position (GRCh38, 1-based): chr16:2,076,095, C>G. VCF-style: chr16-2076095-C-G. GRCh37 (hg19) VCF-style: chr16-2126096-C-G.
Other names: c.2667C>G, p.Ala889= (NM_001077183.3, NM_001114382.3, NM_001363528.2 and 6 more transcripts); c.2556C>G, p.Ala852= (NM_001318827.2, NM_001406670.1, NM_001406678.1); c.2520C>G, p.Ala840= (NM_001318829.2, NM_001406675.1, NM_001406676.1 and 1 more transcripts); c.2067C>G, p.Ala689= (NM_001318831.2, NM_001406680.1, NM_001406682.1 and 6 more transcripts); c.2700C>G, p.Ala900= (NM_001318832.2); c.2757C>G, p.Ala919= (NM_001406667.1, NM_001406668.1); c.2655C>G, p.Ala885= (NM_001406671.1, NM_001406673.1); c.2610C>G, p.Ala870= (NM_001406677.1); and 3 more.
Identifiers: ClinVar variation 4071335 (VCV004071335.1).

ClinVar aggregate classification (germline): Benign (1 of 4 stars; one submission).

Conditions:
Tuberous sclerosis 2 (TSC2). Identifiers: Orphanet 805, MedGen C1860707, MONDO:0013199, OMIM 613254.

Submission:

Myriad Genetics, Inc.
Classification: Benign for Tuberous sclerosis 2. Last evaluated: 2025-05-21. Review status: criteria provided, single submitter. Criteria: Myriad Autosomal Dominant, Autosomal Recessive and X-Linked Classification Criteria (2023). Collection method: clinical testing. Allele origin: unknown.
Comment: This variant is considered benign. This variant is a silent/synonymous amino acid change and it is not expected to impact splicing.